The following is an entry in ClinVar:

ClinVar aggregate classification (germline): Uncertain significance. Review status: criteria provided, multiple submitters, no conflicts (2 of 4 stars). 7 submissions from 7 submitters: Uncertain significance (6). 1 of the submissions does not count toward it. Last evaluated 2025-09-07.

Conditions:
Hereditary cancer-predisposing syndrome. Also called: Tumor predisposition; Neoplastic Syndromes, Hereditary; Hereditary Cancer Syndrome; Hereditary neoplastic syndrome. Identifiers: Orphanet 140162, MedGen C0027672, MeSH D009386, MONDO:0015356.
Familial cancer of breast. Also called: Hereditary breast cancer; BREAST CANCER, FAMILIAL; hereditary breast carcinoma. Identifiers: Orphanet 227535, MedGen C0346153, MONDO:0016419, OMIM 114480. Disease mechanism: loss of function.
Ataxia-telangiectasia syndrome (AT). Also called: Ataxia-telangiectasia; Cerebello-oculocutaneous telangiectasia; Immunodeficiency with ataxia telangiectasia; ATAXIA-TELANGIECTASIA, COMPLEMENTATION GROUP A; ATAXIA-TELANGIECTASIA, FRESNO VARIANT; Ataxia-telangiectasia, complementation group D. Identifiers: Orphanet 100, MedGen C0004135, MONDO:0008840, OMIM 208900.

Allele frequency attached by ClinVar (database versions not stated): gnomAD exomes below 0.00001; TOPMed 0.00002.
gnomAD v4.1: 7 of 1,613,462 alleles (0.00043%); highest among the groups gnomAD compares: Non-Finnish European, 0.00051%; no homozygotes.

Submissions (7):

Ambry Genetics
Classification: Uncertain significance for Hereditary cancer-predisposing syndrome. Last evaluated: 2025-09-07. Review status: criteria provided, single submitter. Criteria: Ambry Variant Classification Scheme 2023. Collection method: clinical testing. Allele origin: germline.
Comment: The p.V1727I variant (also known as c.5179G>A), located in coding exon 34 of the ATM gene, results from a G to A substitution at nucleotide position 5179. The valine at codon 1727 is replaced by isoleucine, an amino acid with highly similar properties. This amino acid position is not well conserved in available vertebrate species. In addition, this alteration is predicted to be tolerated by in silico analysis. Since supporting evidence is limited at this time, the clinical significance of this alteration remains unclear.

Labcorp Genetics (formerly Invitae), Labcorp
Classification: Uncertain significance for Ataxia-telangiectasia syndrome. Last evaluated: 2025-07-14. Review status: criteria provided, single submitter. Criteria: Invitae Variant Classification Sherloc (09022015). Collection method: clinical testing. Allele origin: germline.
Comment: This sequence change replaces valine, which is neutral and non-polar, with isoleucine, which is neutral and non-polar, at codon 1727 of the ATM protein (p.Val1727Ile). This variant is not present in population databases (gnomAD no frequency). This variant has not been reported in the literature in individuals affected with ATM-related conditions. ClinVar contains an entry for this variant (Variation ID: 418824). An algorithm developed to predict the effect of missense changes on protein structure and function (PolyPhen-2) suggests that this variant is likely to be tolerated. RNA analysis performed to evaluate the impact of this missense change on mRNA splicing indicates it does not significantly alter splicing (internal data). In summary, the available evidence is currently insufficient to determine the role of this variant in disease. Therefore, it has been classified as a Variant of Uncertain Significance.

Baylor Genetics
Classification: Uncertain significance for Familial cancer of breast. Last evaluated: 2023-06-16. Review status: criteria provided, single submitter. Criteria: ACMG Guidelines, 2015. Collection method: clinical testing. Allele origin: unknown.

Sema4
Classification: Uncertain significance for Hereditary cancer-predisposing syndrome. Last evaluated: 2021-08-11. Review status: criteria provided, single submitter. Criteria: Sema4 Curation Guidelines. Collection method: curation. Allele origin: germline.
Comment: The ATM c.5179G>A (p.V1727I) variant has not been reported in the literature to our knowledge. This variant is not reported in the population database Genome Aggregation Database (PMID: 32461654). The variant has been reported in ClinVar (Variation ID: 418824). Functional studies have not been performed, and in silico predictions of the variant's effect on protein function are inconclusive. The evidence is insufficient to meet ACMG/AMP criteria for classifying the variant as benign or pathogenic. Thus, the clinical significance of this variant is currently uncertain.

Color Diagnostics, LLC DBA Color Health
Classification: Uncertain significance for Hereditary cancer-predisposing syndrome. Last evaluated: 2020-10-19. Review status: criteria provided, single submitter. Criteria: ACMG Guidelines, 2015. Collection method: clinical testing. Allele origin: germline.
Comment: This missense variant replaces valine with isoleucine at codon 1727 of the ATM protein. Computational prediction suggests that this variant may not impact protein structure and function (internally defined REVEL score threshold <= 0.5, PMID: 27666373). To our knowledge, functional studies have not been reported for this variant. This variant has not been reported in individuals affected with hereditary cancer in the literature. This variant has not been identified in the general population by the Genome Aggregation Database (gnomAD). The available evidence is insufficient to determine the role of this variant in disease conclusively. Therefore, this variant is classified as a Variant of Uncertain Significance.

GeneDx
Classification: Uncertain significance. Last evaluated: 2020-07-27. Review status: criteria provided, single submitter. Criteria: GeneDx Variant Classification Process June 2021. Collection method: clinical testing. Allele origin: germline. Affected: yes.
Comment: Not observed in large population cohorts (Lek 2016); In silico analysis supports that this missense variant does not alter protein structure/function; Has not been previously published as pathogenic or benign to our knowledge

Natera, Inc.
Classification: Uncertain significance for Ataxia-telangiectasia. Last evaluated: 2020-09-16. Review status: no assertion criteria provided. Collection method: clinical testing. Allele origin: germline. Not counted in ClinVar's aggregate classification.

NM_000051.4(ATM):c.5179G>A (p.Val1727Ile)

Gene: ATM (ATM serine/threonine kinase; plus strand). Cytogenetic location: 11q22.3.
Variant type: single nucleotide variant.
Coding change: c.5179G>A on transcript NM_000051.4 (MANE Select); coding-DNA position 5179, G replaced by A.
Protein change: p.Val1727Ile; replaces valine 1727 with isoleucine.
Molecular consequence: missense variant.
Genome position (GRCh38, 1-based): chr11:108,301,649, G>A. VCF-style: chr11-108301649-G-A. GRCh37 (hg19) VCF-style: chr11-108172376-G-A.
Other names: c.5179G>A, p.Val1727Ile (NM_001351834.2); short protein forms V1727I.
Identifiers: ClinVar variation 418824 (VCV000418824.18), dbSNP rs1064793458, ClinGen allele CA16619194.